The following is an entry in ClinVar:

NM_080680.3(COL11A2):c.*4C>T

Gene: COL11A2 (collagen type XI alpha 2 chain; minus strand). Cytogenetic location: 6p21.32.
Variant type: single nucleotide variant.
Coding change: c.*4C>T on transcript NM_080680.3 (MANE Select); 4 bases downstream of the stop codon, C replaced by T.
Molecular consequence: 3 prime UTR variant.
Genome position (GRCh38, 1-based): chr6:33,163,674, G>A on the plus strand (C>T on the coding strand, the complement: COL11A2 is on the minus strand). VCF-style: chr6-33163674-G-A. GRCh37 (hg19) VCF-style: chr6-33131451-G-A.
Other names: c.*4C>T (NM_080679.3, NM_080681.3).
Identifiers: ClinVar variation 178320 (VCV000178320.19), dbSNP rs186720023, ClinGen allele CA182104.
Genomic context (GRCh38, chr6:33,163,674, plus strand): 5'-AGCTGATGTTGTGGGATTCCAGGTGGGCCTGGTTCCGAATGGACAGGATCAGACAGAGAC[G>A]GTCCTATCCCATGAAGCAGACAGGCCCCAGCAGCACCCCTCCCCGCCTCGGTGGGGCTCC-3'

ClinVar aggregate classification (germline): Benign/Likely benign. Review status: criteria provided, multiple submitters, no conflicts (2 of 4 stars). 8 submissions from 7 submitters: Benign (2); Likely benign (6). Last evaluated 2024-11-18.

Conditions:
Otospondylomegaepiphyseal dysplasia, autosomal recessive (OSMEDB). Also called: Insley-Astley syndrome; CHONDRODYSTROPHY WITH SENSORINEURAL DEAFNESS. Identifiers: Orphanet 1427, MedGen CN034493, MONDO:0044206, OMIM 215150.
Connective tissue disorder. Also called: Connective tissue disease. Identifiers: MedGen C0009782, MONDO:0003900.
Fibrochondrogenesis 2 (FBCG2). Identifiers: Orphanet 2021, MedGen C3281128, MONDO:0013795, OMIM 614524.

Allele frequency attached by ClinVar (database versions not stated): 1000 Genomes Project 30x 0.00078; 1000 Genomes Project 0.00080; TOPMed 0.00131; ESP Exome Variant Server 0.00142; ExAC 0.00189; gnomAD 0.00230.
gnomAD v4.1: 3,365 of 1,612,986 alleles (0.21%); highest among the groups gnomAD compares: Non-Finnish European, 0.23%; 7 homozygotes.

Submissions (8):

Blueprint Genetics
Classification: Likely benign. Last evaluated: 2024-11-18. Review status: criteria provided, single submitter. Criteria: ACMG Guidelines, 2015. Collection method: clinical testing. Allele origin: germline.

Women's Health and Genetics/Laboratory Corporation of America, LabCorp
Classification: Likely benign. Last evaluated: 2024-02-14. Review status: criteria provided, single submitter. Criteria: LabCorp Variant Classification Summary - May 2015. Collection method: clinical testing. Allele origin: germline.
Comment: Variant summary: COL11A2 c.*4C>T affects a non-conserved nucleotide located in the untranslated mRNA region downstream of the termination codon. The variant allele was found at a frequency of 0.0021 in 1612986 control chromosomes in the gnomAD database, including 7 homozygotes (gnomAD v4.0.0). The available data on variant occurrences in the general population are insufficient to allow definitive conclusions about variant significance, but do suggest the variant likely represents a benign polymorphism. To our knowledge, no occurrence of c.*4C>T in individuals affected with COL11A2-Related Disorders and no experimental evidence demonstrating its impact on protein function have been reported. ClinVar contains an entry for this variant (Variation ID: 178320). Based on the evidence outlined above, the variant was classified as likely benign.

GeneDx
Classification: Likely benign. Last evaluated: 2022-10-21. Review status: criteria provided, single submitter. Criteria: GeneDx Variant Classification Process June 2021. Collection method: clinical testing. Allele origin: germline. Affected: yes.
Comment: See Variant Classification Assertion Criteria.

Genome Diagnostics Laboratory, The Hospital for Sick Children
Classification: Likely benign for Connective tissue disorder. Last evaluated: 2020-03-01. Review status: criteria provided, single submitter. Criteria: ACMG Guidelines, 2015. Collection method: clinical testing. Allele origin: germline.

Illumina Laboratory Services, Illumina
Classification: Likely benign for Fibrochondrogenesis 2. Last evaluated: 2018-01-12. Review status: criteria provided, single submitter. Criteria: ICSL Variant Classification Criteria 13 December 2019. Collection method: clinical testing. Allele origin: germline.
Comment: This variant was observed in the ICSL laboratory as part of a predisposition screen in an ostensibly healthy population. It had not been previously curated by ICSL or reported in the Human Gene Mutation Database (HGMD: prior to June 1st, 2018), and was therefore a candidate for classification through an automated scoring system. Utilizing variant allele frequency, disease prevalence and penetrance estimates, and inheritance mode, an automated score was calculated to assess if this variant is too frequent to cause the disease. Based on the score and internal cut-off values, a variant classified as likely benign is not then subjected to further curation. The score for this variant resulted in a classification of likely benign for this disease.

Illumina Laboratory Services, Illumina
Classification: Likely benign for Otospondylomegaepiphyseal dysplasia, autosomal recessive. Last evaluated: 2018-01-12. Review status: criteria provided, single submitter. Criteria: ICSL Variant Classification Criteria 13 December 2019. Collection method: clinical testing. Allele origin: germline.
Comment: the same text as in the submission from Illumina Laboratory Services, Illumina above.

Laboratory for Molecular Medicine, Mass General Brigham Personalized Medicine
Classification: Benign. Last evaluated: 2016-03-31. Review status: criteria provided, single submitter. Criteria: LMM Criteria. Collection method: clinical testing. Allele origin: germline. Observed: 6 variant alleles.
Comment: *4C>T in the 3'UTR of COL11A2: This variant is not expected to have clinical sig nificance because it has been identified in 0.5% (33/6604) of Finnish chromosome s by the Exome Aggregation Consortium (ExAC; dbS NP rs186720023). In addition, a number of mammals have a T at the *4 position, including jerboa, mouse, black flying fox, megabat, and brown bat.

PreventionGenetics, part of Exact Sciences
Classification: Benign. Review status: criteria provided, single submitter. Criteria: ACMG Guidelines, 2015. Collection method: clinical testing. Allele origin: germline.